The following is an entry in ClinVar:

NC_000011.10:g.(?_44107663)_(44108268_?)del

Gene: EXT2 (exostosin glycosyltransferase 2; plus strand). Cytogenetic location: 11p11.2.
Variant type: Deletion.
Identifiers: ClinVar variation 830793 (VCV000830793.1).

ClinVar aggregate classification (germline): Pathogenic (1 of 4 stars; one submission).

Conditions:
Exostoses, multiple, type 2 (EXT2). Also called: Hereditary Multiple Osteochondromatosis, Type II; EXOSTOSES, MULTIPLE, TYPE II. Identifiers: Orphanet 321, MedGen C1851413, MONDO:0007586, OMIM 133701.

Submission:

Labcorp Genetics (formerly Invitae), Labcorp
Classification: Pathogenic for Multiple exostoses type 2. Last evaluated: 2019-02-17. Review status: criteria provided, single submitter. Criteria: Invitae Variant Classification Sherloc (09022015). Collection method: clinical testing. Allele origin: germline.
Comment: This variant is a gross deletion of the genomic region encompassing exon 2 of the EXT2 gene, which includes the initiator codon. The 5' end of this event is unknown as it extends beyond the assayed region for this gene and therefore may encompass additional genes. The 3' boundary is likely confined to intron 1 of the EXT2 gene. This is expected to result in an absent or disrupted protein product. Deletion of exon 2 has been observed in an individual affected with multiple osteochondromas (PMID: 15221792). Loss-of-function variants in EXT2 are known to be pathogenic (PMID: 10679937, 19810120). For these reasons, this variant has been classified as Pathogenic.

Literature cited by the submitters: PubMed 15221792.